The following is an entry in ClinVar:

NM_001164508.2(NEB):c.10899G>A (p.Trp3633Ter)

Gene: NEB (nebulin; minus strand). Cytogenetic location: 2q23.3.
Variant type: single nucleotide variant.
Coding change: c.10899G>A on transcript NM_001164508.2 (MANE Select); coding-DNA position 10899, G replaced by A.
Protein change: p.Trp3633Ter; replaces tryptophan 3633 with a stop codon.
Molecular consequence: nonsense.
Genome position (GRCh38, 1-based): chr2:151,618,452, C>T on the plus strand (G>A on the coding strand, the complement: NEB is on the minus strand). VCF-style: chr2-151618452-C-T. GRCh37 (hg19) VCF-style: chr2-152474966-C-T.
Other names: NM_001164508.2(NEB):c.10899G>A; p.Trp3633Ter; c.10899G>A, p.Trp3633Ter (NM_001164507.2, NM_001271208.2); c.10170G>A, p.Trp3390Ter (NM_004543.5); short protein forms W3633*, W3390*.
Identifiers: ClinVar variation 581881 (VCV000581881.8), dbSNP rs780343350, ClinGen allele CA1908917.

ClinVar aggregate classification (germline): Pathogenic/Likely pathogenic. Review status: criteria provided, multiple submitters, no conflicts (2 of 4 stars). 3 submissions from 3 submitters: Pathogenic (2); Likely pathogenic (1). Last evaluated 2025-03-17.

Conditions:
NEB-related disorder. Also called: NEB-related condition; NEB-Related Disorders.
Nemaline myopathy. Also called: Myopathies, Nemaline. Identifiers: Orphanet 607, MedGen C0206157, MONDO:0018958.
Nemaline myopathy 2 (NEM2). Also called: Nemaline myopathy 2, autosomal recessive. Identifiers: MedGen C1850569, MONDO:0009725, OMIM 256030.

Allele frequency attached by ClinVar (database versions not stated): gnomAD exomes below 0.00001 and 0.00001; gnomAD 0.00001; ExAC 0.00002.
gnomAD v4.1: 5 of 1,613,732 alleles (0.00031%); highest among the groups gnomAD compares: Non-Finnish European, 0.00017%; no homozygotes.

Submissions (3):

Broad Center for Mendelian Genomics, Broad Institute of MIT and Harvard
Classification: Likely pathogenic for Nemaline myopathy. Last evaluated: 2025-03-17. Review status: criteria provided, single submitter. Criteria: ACMG Guidelines, 2015. Collection method: curation. Allele origin: germline. Inheritance: Autosomal recessive inheritance.
Comment: The p.Trp3633Ter variant in NEB has not been previously reported in the literature in individuals with nemaline myopathy, but has been identified in 0.007% (2/29604) of Ashkenazi Jewish chromosomes by the Genome Aggregation Database (gnomAD; dbSNP ID: rs780343350). Although this variant has been seen in the general population in a heterozygous state, its frequency is low enough to be consistent with a recessive carrier frequency. This variant has also been reported in ClinVar (Variation ID: 581881) and has been interpreted as pathogenic by Invitae. This nonsense variant leads to a premature termination codon at position 3633, which is predicted to lead to a truncated or absent protein. Loss of function of the NEB gene is an established disease mechanism in autosomal recessive nemaline myopathy. In summary, although additional studies are required to fully establish its clinical significance, this variant is likely pathogenic for autosomal recessive nemaline myopathy. ACMG/AMP Criteria applied: PVS1, PM2_supporting (Richards 2015).

PreventionGenetics, part of Exact Sciences
Classification: Pathogenic for NEB-related condition. Last evaluated: 2022-11-28. Review status: criteria provided, single submitter. Criteria: ACMG Guidelines, 2015. Collection method: clinical testing. Allele origin: germline.
Comment: The NEB c.10899G>A variant is predicted to result in premature protein termination (p.Trp3633*). To our knowledge, this variant has not been reported in the literature. This variant is reported in 0.0099% of alleles in individuals of Ashkenazi Jewish descent in gnomAD. Nonsense variants in NEB are expected to be pathogenic. This variant is interpreted as pathogenic.

Labcorp Genetics (formerly Invitae), Labcorp
Classification: Pathogenic for Nemaline myopathy 2. Last evaluated: 2018-06-20. Review status: criteria provided, single submitter. Criteria: Invitae Variant Classification Sherloc (09022015). Collection method: clinical testing. Allele origin: germline.
Comment: For these reasons, this variant has been classified as Pathogenic. Loss-of-function variants in NEB are known to be pathogenic (PMID: 25205138). This variant has not been reported in the literature in individuals with NEB-related disease. The frequency data for this variant in the population databases is considered unreliable, as metrics indicate poor data quality at this position in the ExAC database. This sequence change creates a premature translational stop signal (p.Trp3633*) in the NEB gene. It is expected to result in an absent or disrupted protein product.

Literature cited by the submitters: PubMed 25205138 (cited by Labcorp Genetics (formerly Invitae), Labcorp).